The following is an entry in ClinVar:

NM_006231.4(POLE):c.286-8_286-7del

Gene: POLE (DNA polymerase epsilon, catalytic subunit; minus strand). Cytogenetic location: 12q24.33.
Variant type: Microsatellite.
Coding change: c.286-8_286-7del on transcript NM_006231.4 (MANE Select); 8 bases into the intron before coding-DNA position 286 through 7 bases into the intron before coding-DNA position 286, 2 bases deleted (CT; older notation c.286-8_286-7delCT).
Molecular consequence: intron variant.
Genome position (GRCh38, 1-based): chr12:132,680,229-132,680,230, AG deleted on the plus strand (CT on the coding strand, the reverse complement: POLE is on the minus strand); deleting any 2 consecutive bases within chr12:132,680,229-132,680,232 gives the same sequence; the c. name uses the placement nearest the transcript's 3' end. VCF-style (leftmost placement, unchanged base first): chr12-132680228-AAG-A. GRCh37 (hg19) VCF-style: chr12-133256814-AAG-A.
Identifiers: ClinVar variation 844501 (VCV000844501.42), dbSNP rs2043139110, ClinGen allele CA916082390.
Genomic context (GRCh38, chr12:132,680,228, plus strand): 5'-ACACACTCACCTTTCTGGTCGCAATGTAGAAATACGGTTTATAGGGCAAAGCCACCTGTT[AAG>A]AGTCACCAACCCATCCAGGGGTGATGAGAAAGAAGAAAGCGAGAGAAAAGTGAAAACACA-3'

ClinVar aggregate classification (germline): Conflicting classifications of pathogenicity. Review status: criteria provided, conflicting classifications (1 of 4 stars). 3 submissions from 3 submitters: Uncertain significance (2); Likely benign (1). Last evaluated 2026-01-11.

Submissions (3):

Labcorp Genetics (formerly Invitae), Labcorp
Classification: Likely benign. Last evaluated: 2026-01-11. Review status: criteria provided, single submitter. Criteria: Invitae Variant Classification Sherloc (09022015). Collection method: clinical testing. Allele origin: germline.

GeneDx
Classification: Uncertain significance. Last evaluated: 2025-10-07. Review status: criteria provided, single submitter. Criteria: GeneDx Variant Classification Process June 2021. Collection method: clinical testing. Allele origin: germline. Affected: yes.
Comment: Not observed in large population cohorts (gnomAD); Has not been previously published as pathogenic or benign to our knowledge; In silico analysis is inconclusive as to whether the variant alters gene splicing. In the absence of RNA/functional studies, the actual effect of this sequence change is unknown

CeGaT Center for Human Genetics Tuebingen
Classification: Uncertain significance. Last evaluated: 2022-06-01. Review status: criteria provided, single submitter. Criteria: CeGaT Center For Human Genetics Tuebingen Variant Classification Criteria Version 2. Collection method: clinical testing. Allele origin: germline. Affected: yes. Observed: 1 variant allele.
Comment: POLE: PM2, BP4